The following is an entry in ClinVar:

NM_022455.5(NSD1):c.5149G>C (p.Gly1717Arg)

Gene: NSD1 (nuclear receptor binding SET domain protein 1; plus strand). Cytogenetic location: 5q35.3.
Variant type: single nucleotide variant.
Coding change: c.5149G>C on transcript NM_022455.5 (MANE Select); coding-DNA position 5149, G replaced by C.
Protein change: p.Gly1717Arg; replaces glycine 1717 with arginine.
Molecular consequence: missense variant.
Genome position (GRCh38, 1-based): chr5:177,267,564, G>C. VCF-style: chr5-177267564-G-C. GRCh37 (hg19) VCF-style: chr5-176694565-G-C.
Other names: c.4276G>C, p.Gly1426Arg (NM_001365684.2, NM_001409308.1, NM_001409309.1 and 1 more transcripts); c.5149G>C, p.Gly1717Arg (NM_001409301.1, NM_001409302.1, NM_001409303.1); c.4729G>C, p.Gly1577Arg (NM_001409304.1); c.4396G>C, p.Gly1466Arg (NM_001409305.1); c.4387G>C, p.Gly1463Arg (NM_001409306.1, NM_001409307.1); short protein forms G1717R, G1448R, G1463R, G1466R, G1426R, G1577R.
Identifiers: ClinVar variation 573144 (VCV000573144.10), dbSNP rs1562278357, ClinGen allele CA362305359.

ClinVar aggregate classification (germline): Likely pathogenic (1 of 4 stars; one submission).

Submission:

Labcorp Genetics (formerly Invitae), Labcorp
Classification: Likely pathogenic. Last evaluated: 2018-08-06. Review status: criteria provided, single submitter. Criteria: Invitae Variant Classification Sherloc (09022015). Collection method: clinical testing. Allele origin: germline.
Comment: This variant is not present in population databases (ExAC no frequency). This sequence change replaces glycine with arginine at codon 1717 of the NSD1 protein (p.Gly1717Arg). The glycine residue is moderately conserved and there is a moderate physicochemical difference between glycine and arginine. Algorithms developed to predict the effect of missense changes on protein structure and function are either unavailable or do not agree on the potential impact of this missense change (SIFT: "Deleterious"; PolyPhen-2: "Probably Damaging"; Align-GVGD: "Class C0"). In summary, the currently available evidence indicates that the variant is pathogenic, but additional data are needed to prove that conclusively. Therefore, this variant has been classified as Likely Pathogenic.